The following is an entry in ClinVar:

NM_001165963.4(SCN1A):c.3851G>C (p.Trp1284Ser)

Genes: SCN1A (sodium voltage-gated channel alpha subunit 1; minus strand), LOC102724058 (uncharacterized LOC102724058; plus strand). Cytogenetic location: 2q24.3.
Variant type: single nucleotide variant.
Coding change: c.3851G>C on transcript NM_001165963.4 (MANE Select); coding-DNA position 3851, G replaced by C.
Protein change: p.Trp1284Ser; replaces tryptophan 1284 with serine.
Molecular consequence: missense variant. On other transcripts: non-coding transcript variant (1).
Genome position (GRCh38, 1-based): chr2:166,012,137, C>G on the plus strand (G>C on the coding strand, the complement: SCN1A is on the minus strand). VCF-style: chr2-166012137-C-G. GRCh37 (hg19) VCF-style: chr2-166868647-C-G.
Other names: c.3818G>C, p.Trp1273Ser (NM_001353950.2, NM_001353951.2, NM_001353952.2 and 2 more transcripts); c.3815G>C, p.Trp1272Ser (NM_001353954.2, NM_001353955.2); c.3767G>C, p.Trp1256Ser (NM_001353957.2, NM_001353958.2, NM_001165964.3); c.3764G>C, p.Trp1255Ser (NM_001353960.2); c.1409G>C, p.Trp470Ser (NM_001353961.2); c.3851G>C, p.Trp1284Ser (NM_001202435.3, NM_001353948.2); short protein forms W1256S, W1272S, W1273S, W1284S, W1255S, W470S.
Identifiers: ClinVar variation 3720369 (VCV003720369.2).
Genomic context (GRCh38, chr2:166,012,137, plus strand): 5'-TGAACAGAGACAAAAATATGAACGATACCTACATCAACAATTAAGAAGTCCAGCCAACAC[C>G]AGGCATTGGTGAAATATGTTTGATAGCCATATGCCACCCATTTTAGAAGCATTTCCAGAA-3'
Protein context (NP_001159435.1, residues 1274-1294): YGYQTYFTNA[Trp1284Ser]CWLDFLIVDV

ClinVar aggregate classification (germline): Pathogenic (1 of 4 stars; one submission).

Conditions:
Early-infantile DEE. Also called: Ohtahara syndrome; Early infantile epileptic encephalopathy with suppression bursts; Early infantile epileptic encephalopathy. Identifiers: Orphanet 1934, MedGen C0393706, MONDO:0800491.

Submission:

Labcorp Genetics (formerly Invitae), Labcorp
Classification: Pathogenic for Early-infantile DEE. Last evaluated: 2024-05-08. Review status: criteria provided, single submitter. Criteria: Invitae Variant Classification Sherloc (09022015). Collection method: clinical testing. Allele origin: germline.
Comment: This sequence change replaces tryptophan, which is neutral and slightly polar, with serine, which is neutral and polar, at codon 1284 of the SCN1A protein (p.Trp1284Ser). This variant is not present in population databases (gnomAD no frequency). This missense change has been observed in individual(s) with Dravet syndrome (PMID: 18930999). In at least one individual the variant was observed to be de novo. Advanced modeling of protein sequence and biophysical properties (such as structural, functional, and spatial information, amino acid conservation, physicochemical variation, residue mobility, and thermodynamic stability) performed at Invitae indicates that this missense variant is expected to disrupt SCN1A protein function with a positive predictive value of 95%. This variant disrupts the p.Trp1284 amino acid residue in SCN1A. Other variant(s) that disrupt this residue have been determined to be pathogenic (Invitae). This suggests that this residue is clinically significant, and that variants that disrupt this residue are likely to be disease-causing. For these reasons, this variant has been classified as Pathogenic.

Literature cited by the submitters: PubMed 18930999.